The following is an entry in ClinVar:

ClinVar aggregate classification (germline): Pathogenic (1 of 4 stars; one submission).

Conditions:
Leigh syndrome (NULS). Also called: Leigh Syndrome (mtDNA deletion); Leigh's syndrome; Leigh's necrotizing encephalopathy; Leigh's disease; Leigh Disease; Subacute necrotizing encephalopathy. Identifiers: Orphanet 506, MedGen C2931891, MONDO:0009723, OMIM 256000.

Allele frequency attached by ClinVar (database versions not stated): gnomAD 0.00001.

Submission:

Labcorp Genetics (formerly Invitae), Labcorp
Classification: Pathogenic for Leigh syndrome. Last evaluated: 2025-03-11. Review status: criteria provided, single submitter. Criteria: Invitae Variant Classification Sherloc (09022015). Collection method: clinical testing. Allele origin: germline.
Comment: This sequence change affects the initiator methionine of the SURF1 mRNA. The next in-frame methionine is located at codon 110. This variant is not present in population databases (gnomAD no frequency). This variant has not been reported in the literature in individuals affected with SURF1-related conditions. ClinVar contains an entry for this variant (Variation ID: 3020380). This variant disrupts a region of the SURF1 protein in which other variant(s) (p.Leu90Pro) have been determined to be pathogenic (PMID: 19780766, 22488715, 29933018, 32445240). This suggests that this is a clinically significant region of the protein, and that variants that disrupt it are likely to be disease-causing. For these reasons, this variant has been classified as Pathogenic.

Literature cited by the submitters: PubMed 19780766; PubMed 22488715; PubMed 29933018; PubMed 32445240.

NM_003172.4(SURF1):c.1A>G (p.Met1Val)

Gene: SURF1 (SURF1 cytochrome c oxidase assembly factor; minus strand). Cytogenetic location: 9q34.2.
Variant type: single nucleotide variant.
Coding change: c.1A>G on transcript NM_003172.4 (MANE Select); coding-DNA position 1, A replaced by G.
Protein change: p.Met1Val; changes the start codon (methionine 1).
Molecular consequence: missense variant, initiator codon variant. On other transcripts: 5 prime UTR variant (1).
Genome position (GRCh38, 1-based): chr9:133,356,453, T>C on the plus strand (A>G on the coding strand, the complement: SURF1 is on the minus strand). VCF-style: chr9-133356453-T-C. GRCh37 (hg19) VCF-style: chr9-136223329-T-C.
Other names: c.-275A>G (NM_001280787.1); short protein forms M1V.
Identifiers: ClinVar variation 3020380 (VCV003020380.3), dbSNP rs1836592105, ClinGen allele CA375695224.